The following is an entry in ClinVar:

ClinVar aggregate classification (germline): Uncertain significance. Review status: criteria provided, multiple submitters, no conflicts (2 of 4 stars). 2 submissions from 2 submitters: Uncertain significance (2). Last evaluated 2024-09-14.

Conditions:
Breast-ovarian cancer, familial, susceptibility to, 4. Identifiers: Orphanet 145, MedGen C3280345, MONDO:0013669, OMIM 614291.
Hereditary cancer-predisposing syndrome. Also called: Hereditary neoplastic syndrome; Neoplastic Syndromes, Hereditary; Hereditary Cancer Syndrome; Tumor predisposition. Identifiers: Orphanet 140162, MedGen C0027672, MeSH D009386, MONDO:0015356.

Submissions (2):

Labcorp Genetics (formerly Invitae), Labcorp
Classification: Uncertain significance for Breast-ovarian cancer, familial, susceptibility to, 4. Last evaluated: 2024-09-14. Review status: criteria provided, single submitter. Criteria: Invitae Variant Classification Sherloc (09022015). Collection method: clinical testing. Allele origin: germline.
Comment: This sequence change replaces threonine, which is neutral and polar, with lysine, which is basic and polar, at codon 142 of the RAD51D protein (p.Thr142Lys). This variant is not present in population databases (gnomAD no frequency). This variant has not been reported in the literature in individuals affected with RAD51D-related conditions. ClinVar contains an entry for this variant (Variation ID: 1719268). Invitae Evidence Modeling of protein sequence and biophysical properties (such as structural, functional, and spatial information, amino acid conservation, physicochemical variation, residue mobility, and thermodynamic stability) indicates that this missense variant is not expected to disrupt RAD51D protein function with a negative predictive value of 80%. In summary, the available evidence is currently insufficient to determine the role of this variant in disease. Therefore, it has been classified as a Variant of Uncertain Significance.

Ambry Genetics
Classification: Uncertain significance for Hereditary cancer-predisposing syndrome. Last evaluated: 2022-08-11. Review status: criteria provided, single submitter. Criteria: Ambry Variant Classification Scheme 2023. Collection method: clinical testing. Allele origin: germline.
Comment: The p.T142K variant (also known as c.425C>A), located in coding exon 5 of the RAD51D gene, results from a C to A substitution at nucleotide position 425. The threonine at codon 142 is replaced by lysine, an amino acid with similar properties. This amino acid position is conserved. In addition, this alteration is predicted to be deleterious by in silico analysis. Since supporting evidence is limited at this time, the clinical significance of this alteration remains unclear.

NM_002878.4(RAD51D):c.425C>A (p.Thr142Lys)

Genes: RAD51L3-RFFL (RAD51L3-RFFL readthrough; minus strand), RAD51D (RAD51 paralog D; minus strand). Cytogenetic location: 17q12.
Variant type: single nucleotide variant.
Coding change: c.425C>A on transcript NM_002878.4 (MANE Select); coding-DNA position 425, C replaced by A.
Protein change: p.Thr142Lys; replaces threonine 142 with lysine.
Molecular consequence: missense variant. On other transcripts: non-coding transcript variant (1), intron variant (1).
Genome position (GRCh38, 1-based): chr17:35,107,043, G>T on the plus strand (C>A on the coding strand, the complement: RAD51D is on the minus strand). VCF-style: chr17-35107043-G-T. GRCh37 (hg19) VCF-style: chr17-33434062-G-T.
Other names: c.485C>A, p.Thr162Lys (NM_001142571.2); c.145-562C>A (NM_133629.3); short protein forms T142K, T162K.
Identifiers: ClinVar variation 1719268 (VCV001719268.8), dbSNP rs757099471, ClinGen allele CA399089252.